The following is an entry in ClinVar:

NM_017617.5(NOTCH1):c.1555+16G>A

Gene: NOTCH1 (notch receptor 1; minus strand). Cytogenetic location: 9q34.3.
Variant type: single nucleotide variant.
Coding change: c.1555+16G>A on transcript NM_017617.5 (MANE Select); 16 bases into the intron after coding-DNA position 1555, G replaced by A.
Molecular consequence: intron variant.
Genome position (GRCh38, 1-based): chr9:136,517,256, C>T on the plus strand (G>A on the coding strand, the complement: NOTCH1 is on the minus strand). VCF-style: chr9-136517256-C-T. GRCh37 (hg19) VCF-style: chr9-139411708-C-T.
Other names: c.1555+16G>A (LRG_1122t1).
Identifiers: ClinVar variation 511408 (VCV000511408.10), dbSNP rs368798926, ClinGen allele CA5341740.
Genomic context (GRCh38, chr9:136,517,256, plus strand): 5'-ACAACCCACGCCCAGGCACCCCTCAGGAGGCCAGGGTGCAGACGACCCGGGGGCAGGGGG[C>T]GGGGGTGGCCCTCACCCGTGGGGCACTCGCACTGGAACTCATTGATCTTGTCCAGGCAGC-3'

ClinVar aggregate classification (germline): Likely benign. Review status: criteria provided, multiple submitters, no conflicts (2 of 4 stars). 5 submissions from 4 submitters: Likely benign (5). Last evaluated 2026-03-27.

Conditions:
Adams-Oliver syndrome 5 (AOS5). Identifiers: Orphanet 974, MedGen C4014970, MONDO:0014459, OMIM 616028.
Aortic valve disease 1 (AOVD1). Identifiers: MedGen C3887892, MONDO:0024523, OMIM 109730.

Allele frequency attached by ClinVar (database versions not stated): gnomAD exomes 0.00003; TOPMed 0.00008; gnomAD 0.00009 and 0.00010; ESP Exome Variant Server 0.00017.
gnomAD v4.1: 74 of 1,525,618 alleles (0.0049%); highest among the groups gnomAD compares: Middle Eastern, 0.035%; no homozygotes.

Submissions (5):

Women's Health and Genetics/Laboratory Corporation of America, LabCorp
Classification: Likely benign. Last evaluated: 2026-03-27. Review status: criteria provided, single submitter. Criteria: LabCorp Variant Classification Summary - May 2015. Collection method: clinical testing. Allele origin: germline.

Labcorp Genetics (formerly Invitae), Labcorp
Classification: Likely benign for Adams-Oliver syndrome 5. Last evaluated: 2026-01-12. Review status: criteria provided, single submitter. Criteria: Invitae Variant Classification Sherloc (09022015). Collection method: clinical testing. Allele origin: germline.

Genome-Nilou Lab
Classification: Likely benign for Adams-Oliver syndrome 5. Last evaluated: 2022-03-15. Review status: criteria provided, single submitter. Criteria: ACMG Guidelines, 2015. Collection method: clinical testing. Allele origin: germline. Affected: no.

Genome-Nilou Lab
Classification: Likely benign for Aortic valve disease 1. Last evaluated: 2022-03-15. Review status: criteria provided, single submitter. Criteria: ACMG Guidelines, 2015. Collection method: clinical testing. Allele origin: germline. Affected: no.

GeneDx
Classification: Likely benign. Last evaluated: 2017-09-05. Review status: criteria provided, single submitter. Criteria: GeneDx Variant Classification (06012015). Collection method: clinical testing. Allele origin: germline. Affected: yes.
Comment: This variant is considered likely benign or benign based on one or more of the following criteria: it is a conservative change, it occurs at a poorly conserved position in the protein, it is predicted to be benign by multiple in silico algorithms, and/or has population frequency not consistent with disease.